The following is an entry in ClinVar:

ClinVar aggregate classification (germline): Uncertain significance (1 of 4 stars; one submission).

Submission:

Labcorp Genetics (formerly Invitae), Labcorp
Classification: Uncertain significance. Last evaluated: 2022-10-30. Review status: criteria provided, single submitter. Criteria: Invitae Variant Classification Sherloc (09022015). Collection method: clinical testing. Allele origin: germline.
Comment: In summary, the available evidence is currently insufficient to determine the role of this variant in disease. Therefore, it has been classified as a Variant of Uncertain Significance. Advanced modeling of protein sequence and biophysical properties (such as structural, functional, and spatial information, amino acid conservation, physicochemical variation, residue mobility, and thermodynamic stability) performed at Invitae indicates that this missense variant is not expected to disrupt LRP2 protein function. ClinVar contains an entry for this variant (Variation ID: 1470324). This variant has not been reported in the literature in individuals affected with LRP2-related conditions. This variant is not present in population databases (gnomAD no frequency). This sequence change replaces glutamine, which is neutral and polar, with arginine, which is basic and polar, at codon 89 of the LRP2 protein (p.Gln89Arg).

NM_004525.3(LRP2):c.266A>G (p.Gln89Arg)

Gene: LRP2 (LDL receptor related protein 2; minus strand). Cytogenetic location: 2q31.1.
Variant type: single nucleotide variant.
Coding change: c.266A>G on transcript NM_004525.3 (MANE Select); coding-DNA position 266, A replaced by G.
Protein change: p.Gln89Arg; replaces glutamine 89 with arginine.
Molecular consequence: missense variant.
Genome position (GRCh38, 1-based): chr2:169,318,806, T>C on the plus strand (A>G on the coding strand, the complement: LRP2 is on the minus strand). VCF-style: chr2-169318806-T-C. GRCh37 (hg19) VCF-style: chr2-170175316-T-C.
Other names: short protein forms Q89R.
Identifiers: ClinVar variation 1470324 (VCV001470324.8), dbSNP rs2105513194, ClinGen allele CA349173650.